The following is an entry in ClinVar:

ClinVar aggregate classification (germline): Likely pathogenic (1 of 4 stars; one submission).

Allele frequency attached by ClinVar (database versions not stated): gnomAD exomes below 0.00001 and 0.00001; ExAC 0.00003; gnomAD 0.00006 and 0.00007; TOPMed 0.00009.
gnomAD v4.1: 15 of 1,611,358 alleles (0.00093%); highest among the groups gnomAD compares: African/African-American, 0.017%; no homozygotes.

Submissions (2):

Labcorp Genetics (formerly Invitae), Labcorp
Classification: Likely pathogenic. Last evaluated: 2024-10-26. Review status: criteria provided, single submitter. Criteria: Invitae Variant Classification Sherloc (09022015). Collection method: clinical testing. Allele origin: germline.
Comment: This sequence change affects a donor splice site in intron 23 of the TUBGCP6 gene. It is expected to disrupt RNA splicing. Variants that disrupt the donor or acceptor splice site typically lead to a loss of protein function (PMID: 16199547), and loss-of-function variants in TUBGCP6 are known to be pathogenic (PMID: 25344692). This variant is present in population databases (rs753289059, gnomAD 0.02%). This variant has not been reported in the literature in individuals affected with TUBGCP6-related conditions. ClinVar contains an entry for this variant (Variation ID: 858978). Algorithms developed to predict the effect of sequence changes on RNA splicing suggest that this variant may disrupt the consensus splice site. In summary, the currently available evidence indicates that the variant is pathogenic, but additional data are needed to prove that conclusively. Therefore, this variant has been classified as Likely Pathogenic.

Dr. Peter K. Rogan Lab, Western University
No classification provided (evidence only). Condition: Malignant tumor of urinary bladder. Review status: no classification provided. Collection method: in vitro. Allele origin: not applicable. Functional consequence: retained intron. Not counted in ClinVar's aggregate classification.

Literature cited by the submitters: PubMed 16199547 (cited by Labcorp Genetics (formerly Invitae), Labcorp); PubMed 25344692 (cited by Labcorp Genetics (formerly Invitae), Labcorp).

NM_020461.4(TUBGCP6):c.5168+2T>C

Gene: TUBGCP6 (tubulin gamma complex component 6; minus strand). Cytogenetic location: 22q13.33.
Variant type: single nucleotide variant.
Coding change: c.5168+2T>C on transcript NM_020461.4 (MANE Select); the canonical splice donor site of the intron after coding-DNA position 5168, T replaced by C.
Molecular consequence: splice donor variant.
Genome position (GRCh38, 1-based): chr22:50,218,187, A>G on the plus strand (T>C on the coding strand, the complement: TUBGCP6 is on the minus strand). VCF-style: chr22-50218187-A-G. GRCh37 (hg19) VCF-style: chr22-50656616-A-G.
Identifiers: ClinVar variation 858978 (VCV000858978.9), dbSNP rs753289059, ClinGen allele CA10307154.